The following is an entry in ClinVar:

NM_000059.4(BRCA2):c.6263C>T (p.Thr2088Ile)

Gene: BRCA2 (BRCA2 DNA repair associated; plus strand). Cytogenetic location: 13q13.1.
Variant type: single nucleotide variant.
Coding change: c.6263C>T on transcript NM_000059.4 (MANE Select); coding-DNA position 6263, C replaced by T.
Protein change: p.Thr2088Ile; replaces threonine 2088 with isoleucine.
Molecular consequence: missense variant.
Genome position (GRCh38, 1-based): chr13:32,340,618, C>T. VCF-style: chr13-32340618-C-T. GRCh37 (hg19) VCF-style: chr13-32914755-C-T.
Other names: short protein forms T2088I.
Identifiers: ClinVar variation 374724 (VCV000374724.71), dbSNP rs767567428, ClinGen allele CA6940940.
Genomic context (GRCh38, chr13:32,340,618, plus strand): 5'-TTTTAGAAAGTTCCTTACACAAAGTTAAGGGAGTGTTAGAGGAATTTGATTTAATCAGAA[C>T]TGAGCATAGTCTTCACTATTCACCTACGTCTAGACAAAATGTATCAAAAATACTTCCTCG-3'
Protein context (NP_000050.3, residues 2078-2098): GVLEEFDLIR[Thr2088Ile]EHSLHYSPTS

ClinVar aggregate classification (germline): Conflicting classifications of pathogenicity. Review status: criteria provided, conflicting classifications (1 of 4 stars). 11 submissions from 11 submitters: Uncertain significance (9); Likely benign (2). Last evaluated 2025-11-18.

Conditions:
Breast-ovarian cancer, familial, susceptibility to, 2 (BROVCA2). Also called: BRCA2 Hereditary Breast and Ovarian Cancer. Identifiers: Orphanet 145, MedGen C2675520, MONDO:0012933, OMIM 612555. Disease mechanism: loss of function.
Hereditary cancer-predisposing syndrome. Also called: Tumor predisposition; Hereditary Cancer Syndrome; Hereditary neoplastic syndrome; Neoplastic Syndromes, Hereditary. Identifiers: Orphanet 140162, MedGen C0027672, MeSH D009386, MONDO:0015356.
Hereditary breast ovarian cancer syndrome. Also called: Hereditary breast and ovarian cancer; Hereditary breast and ovarian cancer syndrome; Hereditary breast and/or ovarian cancer syndrome; Hereditary breast and ovarian cancer syndrome (HBOC); BRCA1- and BRCA2-Associated Hereditary Breast and Ovarian Cancer; Breast and ovarian cancer. Identifiers: Orphanet 145, MedGen C0677776, MeSH D061325, MONDO:0003582. Disease mechanism: loss of function.

Allele frequency attached by ClinVar (database versions not stated): ExAC 0.00001; gnomAD 0.00001; gnomAD exomes 0.00001; TOPMed 0.00001.
gnomAD v4.1: 7 of 1,607,978 alleles (0.00044%); highest among the groups gnomAD compares: Non-Finnish European, 0.00059%; no homozygotes.

Submissions (11):

Labcorp Genetics (formerly Invitae), Labcorp
Classification: Uncertain significance for Hereditary breast ovarian cancer syndrome. Last evaluated: 2025-11-18. Review status: criteria provided, single submitter. Criteria: Invitae Variant Classification Sherloc (09022015). Collection method: clinical testing. Allele origin: germline.
Comment: This sequence change replaces threonine, which is neutral and polar, with isoleucine, which is neutral and non-polar, at codon 2088 of the BRCA2 protein (p.Thr2088Ile). This variant is present in population databases (rs767567428, gnomAD 0.002%). This missense change has been observed in individual(s) with metastatic pancreatic adenocarcinoma and breast and ovarian cancer (PMID: 24448499, 26689913, 30131383). ClinVar contains an entry for this variant (Variation ID: 374724). Invitae Evidence Modeling of protein sequence and biophysical properties (such as structural, functional, and spatial information, amino acid conservation, physicochemical variation, residue mobility, and thermodynamic stability) indicates that this missense variant is not expected to disrupt BRCA2 protein function with a negative predictive value of 95%. In summary, the available evidence is currently insufficient to determine the role of this variant in disease. Therefore, it has been classified as a Variant of Uncertain Significance.

German Consortium for Hereditary Breast and Ovarian Cancer, University Hospital Cologne
Classification: Likely benign for Hereditary breast ovarian cancer syndrome. Last evaluated: 2025-11-17. Review status: criteria provided, single submitter. Criteria: ClinGen BRCA2 V1.1.0. Collection method: curation. Allele origin: germline.
Comment: This classification follows the ClinGen ENIGMA BRCA2 v1.1.0 classification scheme; We chose this criterion: BP1 (strong benign): silent substitution outside a (potentially) clinically important functional domain, SpliceAI=0

Women's Health and Genetics/Laboratory Corporation of America, LabCorp
Classification: Uncertain significance. Last evaluated: 2025-11-03. Review status: criteria provided, single submitter. Criteria: LabCorp Variant Classification Summary - May 2015. Collection method: clinical testing. Allele origin: germline.
Comment: Variant summary: BRCA2 c.6263C>T (p.Thr2088Ile) results in a non-conservative amino acid change in the encoded protein sequence. Algorithms developed to predict the effect of missense changes on protein structure and function are either unavailable or do not agree on the potential impact of this missense change. The variant allele was found at a frequency of 1.2e-05 in 247034 control chromosomes. The available data on variant occurrences in the general population are insufficient to allow any conclusion about variant significance. c.6263C>T has been observed in individuals affected with with metastatic pancreatic adenocarcinoma and breast and ovarian cancer (Kanchi_2014, Lu_2015, Sehdev_2018). These report(s) do not provide unequivocal conclusions about association of the variant with Hereditary Breast And Ovarian Cancer Syndrome. To our knowledge, no experimental evidence demonstrating an impact on protein function has been reported. The following publications have been ascertained in the context of this evaluation (PMID: 24448499, 26689913, 30131383). ClinVar contains an entry for this variant (Variation ID: 374724). Based on the evidence outlined above, the variant was classified as uncertain significance.

Color Diagnostics, LLC DBA Color Health
Classification: Uncertain significance for Hereditary cancer-predisposing syndrome. Last evaluated: 2025-05-21. Review status: criteria provided, single submitter. Criteria: ACMG Guidelines, 2015. Collection method: clinical testing. Allele origin: germline.
Comment: This missense variant replaces threonine with isoleucine at codon 2088 of the BRCA2 protein. Computational prediction suggests that this variant may not impact protein structure and function. To our knowledge, functional studies have not been reported for this variant. This variant has been reported in individuals affected with ovarian cancer (PMID: 24448499, 26689913) and pancreatic cancer (PMID: 30131383). This variant has been identified in 3/245920 chromosomes in the general population by the Genome Aggregation Database (gnomAD). The available evidence is insufficient to determine the role of this variant in disease conclusively. Therefore, this variant is classified as a Variant of Uncertain Significance.

Ambry Genetics
Classification: Uncertain significance for Hereditary cancer-predisposing syndrome. Last evaluated: 2024-03-21. Review status: criteria provided, single submitter. Criteria: Ambry Variant Classification Scheme 2023. Collection method: clinical testing. Allele origin: germline.
Comment: The p.T2088I variant (also known as c.6263C>T), located in coding exon 10 of the BRCA2 gene, results from a C to T substitution at nucleotide position 6263. The threonine at codon 2088 is replaced by isoleucine, an amino acid with similar properties. This alteration was reported in 1/387 ovarian cancer cases and 0/557 controls in an exome sequencing study of individuals from multiple ethnicities (Kanchi KL et al. Nat Commun. 2014;5:3156). This alteration was also reported in another ovarian cancer proband whose tumor demonstrated loss of heterozygosity (Lu C et al. Nat Commun. 2015 Dec;6:10086). This amino acid position is not well conserved in available vertebrate species. In addition, this alteration is predicted to be tolerated by in silico analysis. Based on the available evidence, the clinical significance of this alteration remains unclear.

GeneDx
Classification: Uncertain significance. Last evaluated: 2023-12-28. Review status: criteria provided, single submitter. Criteria: GeneDx Variant Classification Process June 2021. Collection method: clinical testing. Allele origin: germline. Affected: yes.
Comment: Not observed at significant frequency in large population cohorts (gnomAD); In silico analysis supports that this missense variant does not alter protein structure/function; Also known as 6491C>T; This variant is associated with the following publications: (PMID: 24448499, 26689913, 30131383)

All of Us Research Program, National Institutes of Health
Classification: Uncertain significance for Breast-ovarian cancer, familial, susceptibility to, 2. Last evaluated: 2023-08-08. Review status: criteria provided, single submitter. Criteria: ACMG Guidelines, 2015. Collection method: clinical testing. Allele origin: germline. Inheritance: Autosomal dominant inheritance. Observed: 4 variant alleles, 4 heterozygotes.
Comment: This missense variant replaces threonine with isoleucine at codon 2088 of the BRCA2 protein. Computational prediction suggests that this variant may not impact protein structure and function (internally defined REVEL score threshold <= 0.5, PMID: 27666373). To our knowledge, functional studies have not been reported for this variant. This variant has been reported in individuals affected with ovarian cancer (PMID: 24448499, 26689913) and pancreatic cancer (PMID: 30131383). This variant has been identified in 3/245920 chromosomes in the general population by the Genome Aggregation Database (gnomAD). The available evidence is insufficient to determine the role of this variant in disease conclusively. Therefore, this variant is classified as a Variant of Uncertain Significance.

This study involves interpretation of variants in research participants for the purpose of population health screening. Participant phenotype was not available at the time of variant classification. Additional details can be found in publication PMID: 35346344, PMCID: PMC8962531

University of Washington Department of Laboratory Medicine, University of Washington
Classification: Likely benign for Hereditary cancer-predisposing syndrome. Last evaluated: 2023-03-23. Review status: criteria provided, single submitter. Criteria: Dines et al. (Genet Med. 2020). Collection method: curation. Allele origin: germline.
Comment: Missense variant in a coldspot region where missense variants are very unlikely to be pathogenic (PMID:31911673).

BRCA2 exon 11 coldspot. Reclassification based on statistical prior probability.

CeGaT Center for Human Genetics Tuebingen
Classification: Uncertain significance. Last evaluated: 2016-07-01. Review status: criteria provided, single submitter. Criteria: CeGaT Center For Human Genetics Tuebingen Variant Classification Criteria Version 2. Collection method: clinical testing. Allele origin: germline. Affected: yes. Observed: 1 variant allele.

Laboratory for Molecular Medicine, Mass General Brigham Personalized Medicine
Classification: Uncertain significance. Last evaluated: 2016-06-23. Review status: criteria provided, single submitter. Criteria: LMM Criteria. Collection method: clinical testing. Allele origin: germline.
Comment: Variant identified in a genome or exome case(s) and assessed due to predicted null impact of the variant or pathogenic assertions in the literature or databases. Disclaimer: This variant has not undergone full assessment. The following are preliminary notes: 1 report

Fulgent Genetics
Classification: Uncertain significance for Breast-ovarian cancer, familial, susceptibility to, 2. Last evaluated: 2015-08-24. Review status: criteria provided, single submitter. Criteria: ACMG Guidelines, 2015. Collection method: clinical testing. Allele origin: unknown.

Literature cited by the submitters: PubMed 24448499 (cited by 5 submitters); PubMed 26689913 (cited by 4 submitters); PubMed 30131383 (cited by 4 submitters).